The following is an entry in ClinVar:

ClinVar aggregate classification (germline): Uncertain significance. Review status: criteria provided, multiple submitters, no conflicts (2 of 4 stars). 2 submissions from 2 submitters: Uncertain significance (2). Last evaluated 2025-07-27.

Submissions (2):

GeneDx
Classification: Uncertain significance. Last evaluated: 2025-07-27. Review status: criteria provided, single submitter. Criteria: GeneDx Variant Classification Process June 2021. Collection method: clinical testing. Allele origin: germline.
Comment: Not observed at significant frequency in large population cohorts (gnomAD); Predicted loss-of-function variant in a gene for which the disease mechanism is known to be gain-of-function; Has not been previously published as pathogenic or benign to our knowledge

Labcorp Genetics (formerly Invitae), Labcorp
Classification: Uncertain significance. Last evaluated: 2023-04-03. Review status: criteria provided, single submitter. Criteria: Invitae Variant Classification Sherloc (09022015). Collection method: clinical testing. Allele origin: germline.
Comment: This variant is not present in population databases (gnomAD no frequency). This sequence change creates a premature translational stop signal (p.Arg104*) in the CYFIP2 gene. It is expected to result in an absent or disrupted protein product. However, the current clinical and genetic evidence is not sufficient to establish whether loss-of-function variants in CYFIP2 cause disease. This variant has not been reported in the literature in individuals affected with CYFIP2-related conditions. In summary, the available evidence is currently insufficient to determine the role of this variant in disease. Therefore, it has been classified as a Variant of Uncertain Significance.

NM_001037333.3(CYFIP2):c.310C>T (p.Arg104Ter)

Gene: CYFIP2 (cytoplasmic FMR1 interacting protein 2; plus strand). Cytogenetic location: 5q33.3.
Variant type: single nucleotide variant.
Coding change: c.310C>T on transcript NM_001037333.3 (MANE Select); coding-DNA position 310, C replaced by T.
Protein change: p.Arg104Ter; replaces arginine 104 with a stop codon.
Molecular consequence: nonsense.
Genome position (GRCh38, 1-based): chr5:157,296,697, C>T. VCF-style: chr5-157296697-C-T. GRCh37 (hg19) VCF-style: chr5-156723705-C-T.
Other names: c.310C>T (NM_001037333.2); c.232C>T, p.Arg78Ter (NM_001291721.2); c.310C>T, p.Arg104Ter (NM_001291722.2, NM_014376.4); short protein forms R104*, R78*.
Identifiers: ClinVar variation 2851825 (VCV002851825.5), dbSNP rs887815085, ClinGen allele CA361965908.